The following is an entry in ClinVar:

NM_001077653.2(TBX20):c.383G>A (p.Arg128Lys)

Gene: TBX20 (T-box transcription factor 20; minus strand). Cytogenetic location: 7p14.2.
Variant type: single nucleotide variant.
Coding change: c.383G>A on transcript NM_001077653.2 (MANE Select); coding-DNA position 383, G replaced by A.
Protein change: p.Arg128Lys; replaces arginine 128 with lysine.
Molecular consequence: missense variant.
Genome position (GRCh38, 1-based): chr7:35,248,839, C>T on the plus strand (G>A on the coding strand, the complement: TBX20 is on the minus strand). VCF-style: chr7-35248839-C-T. GRCh37 (hg19) VCF-style: chr7-35288451-C-T.
Other names: c.383G>A, p.Arg128Lys (NM_001166220.1); short protein forms R128K.
Identifiers: ClinVar variation 1485114 (VCV001485114.6), dbSNP rs2128715969, ClinGen allele CA367264861.

ClinVar aggregate classification (germline): Uncertain significance (1 of 4 stars; one submission).

Submission:

Labcorp Genetics (formerly Invitae), Labcorp
Classification: Uncertain significance. Last evaluated: 2021-08-21. Review status: criteria provided, single submitter. Criteria: Invitae Variant Classification Sherloc (09022015). Collection method: clinical testing. Allele origin: germline.
Comment: This variant is not present in population databases (ExAC no frequency). This sequence change replaces arginine with lysine at codon 128 of the TBX20 protein (p.Arg128Lys). The arginine residue is highly conserved and there is a small physicochemical difference between arginine and lysine. In summary, the available evidence is currently insufficient to determine the role of this variant in disease. Therefore, it has been classified as a Variant of Uncertain Significance. Algorithms developed to predict the effect of missense changes on protein structure and function (SIFT, PolyPhen-2, Align-GVGD) all suggest that this variant is likely to be disruptive. This variant has not been reported in the literature in individuals affected with TBX20-related conditions.